The following is an entry in ClinVar:

ClinVar aggregate classification (germline): Uncertain significance (1 of 4 stars; one submission).

Conditions:
Cardiovascular phenotype. Identifiers: MedGen CN230736.
Hereditary cancer-predisposing syndrome. Also called: Neoplastic Syndromes, Hereditary; Tumor predisposition; Hereditary Cancer Syndrome; Hereditary neoplastic syndrome. Identifiers: Orphanet 140162, MedGen C0027672, MeSH D009386, MONDO:0015356.

Submission:

Ambry Genetics
Classification: Uncertain significance for Cardiovascular phenotype; Hereditary cancer-predisposing syndrome. Last evaluated: 2026-03-31. Review status: criteria provided, single submitter. Criteria: Ambry Variant Classification Scheme 2023. Collection method: clinical testing. Allele origin: germline.
Comment: The p.K2401T variant (also known as c.7202A>C), located in coding exon 48 of the NF1 gene, results from an A to C substitution at nucleotide position 7202. The lysine at codon 2401 is replaced by threonine, an amino acid with similar properties. This amino acid position is conserved. In addition, the in silico prediction for this alteration is inconclusive. Based on the available evidence, the clinical significance of this variant remains unclear.

NM_001042492.3(NF1):c.7265A>C (p.Lys2422Thr)

Gene: NF1 (neurofibromin 1; plus strand). Cytogenetic location: 17q11.2.
Variant type: single nucleotide variant.
Coding change: c.7265A>C on transcript NM_001042492.3 (MANE Select); coding-DNA position 7265, A replaced by C.
Protein change: p.Lys2422Thr; replaces lysine 2422 with threonine.
Molecular consequence: missense variant.
Genome position (GRCh38, 1-based): chr17:31,349,195, A>C. VCF-style: chr17-31349195-A-C. GRCh37 (hg19) VCF-style: chr17-29676213-A-C.
Other names: c.7202A>C, p.Lys2401Thr (NM_000267.4); short protein forms K2401T, K2422T.
Identifiers: ClinVar variation 4860894 (VCV004860894.1).